The following is an entry in ClinVar:

ClinVar aggregate classification (germline): Benign/Likely benign. Review status: criteria provided, multiple submitters, no conflicts (2 of 4 stars). 4 submissions from 4 submitters: Benign (1); Likely benign (3). Last evaluated 2026-08-19.

Conditions:
DICER1-related tumor predisposition. Also called: DICER1 syndrome; DICER1-related pleuropulmonary blastoma cancer predisposition syndrome. Identifiers: Orphanet 284343, MedGen C3839822, MONDO:0100216.
Hereditary cancer-predisposing syndrome. Also called: Tumor predisposition; Neoplastic Syndromes, Hereditary; Hereditary Cancer Syndrome; Hereditary neoplastic syndrome. Identifiers: Orphanet 140162, MedGen C0027672, MeSH D009386, MONDO:0015356.

Allele frequency attached by ClinVar (database versions not stated): TOPMed below 0.00001; gnomAD exomes 0.00002; ExAC 0.00002.
gnomAD v4.1: 14 of 1,614,032 alleles (0.00087%); highest among the groups gnomAD compares: East Asian, 0.0022%; no homozygotes.

Submissions (4):

Myriad Genetics, Inc.
Classification: Benign for DICER1-related tumor predisposition. Last evaluated: 2026-08-19. Review status: criteria provided, single submitter. Criteria: Myriad Autosomal Dominant, Autosomal Recessive and X-Linked Classification Criteria (2023). Collection method: clinical testing. Allele origin: unknown.
Comment: This variant is considered benign. This variant is a silent/synonymous amino acid change and it is not expected to impact splicing.

Labcorp Genetics (formerly Invitae), Labcorp
Classification: Likely benign for DICER1-related tumor predisposition. Last evaluated: 2025-11-25. Review status: criteria provided, single submitter. Criteria: Invitae Variant Classification Sherloc (09022015). Collection method: clinical testing. Allele origin: germline.

Illumina Laboratory Services, Illumina
Classification: Likely benign for Pleuropulmonary blastoma. Last evaluated: 2018-01-13. Review status: criteria provided, single submitter. Criteria: ICSL Variant Classification Criteria 13 December 2019. Collection method: clinical testing. Allele origin: germline.
Comment: This variant was observed in the ICSL laboratory as part of a predisposition screen in an ostensibly healthy population. It had not been previously curated by ICSL or reported in the Human Gene Mutation Database (HGMD: prior to June 1st, 2018), and was therefore a candidate for classification through an automated scoring system. Utilizing variant allele frequency, disease prevalence and penetrance estimates, and inheritance mode, an automated score was calculated to assess if this variant is too frequent to cause the disease. Based on the score and internal cut-off values, a variant classified as likely benign is not then subjected to further curation. The score for this variant resulted in a classification of likely benign for this disease.

Ambry Genetics
Classification: Likely benign for Hereditary cancer-predisposing syndrome. Last evaluated: 2017-11-13. Review status: criteria provided, single submitter. Criteria: Ambry Variant Classification Scheme 2023. Collection method: clinical testing. Allele origin: germline.

NM_177438.3(DICER1):c.3777C>T (p.Ala1259=)

Gene: DICER1 (dicer 1, ribonuclease III; minus strand). Cytogenetic location: 14q32.13.
Variant type: single nucleotide variant.
Coding change: c.3777C>T on transcript NM_177438.3 (MANE Select); coding-DNA position 3777, C replaced by T.
Protein change: p.Ala1259=; no amino-acid change (alanine 1259 retained).
Molecular consequence: synonymous variant.
Genome position (GRCh38, 1-based): chr14:95,103,619, G>A on the plus strand (C>T on the coding strand, the complement: DICER1 is on the minus strand). VCF-style: chr14-95103619-G-A. GRCh37 (hg19) VCF-style: chr14-95569956-G-A.
Other names: c.3777C>T, p.Ala1259= (NM_001195573.1, NM_001271282.3, NM_001291628.2 and 1 more transcripts).
Identifiers: ClinVar variation 477162 (VCV000477162.21), dbSNP rs770390974, ClinGen allele CA7330993.